The following is an entry in ClinVar:

ClinVar aggregate classification (germline): Conflicting classifications of pathogenicity. Review status: criteria provided, conflicting classifications (1 of 4 stars). 5 submissions from 5 submitters: Uncertain significance (1); Likely benign (1). 3 of the submissions do not count toward it. Last evaluated 2024-11-15.

Conditions:
ATP2A2-related disorder. Also called: ATP2A2-related condition; ATP2A2-Related Disorders.

Allele frequency attached by ClinVar (database versions not stated): gnomAD 0.00033 and 0.00045; TOPMed 0.00040; gnomAD exomes 0.00053 and 0.00089; ESP Exome Variant Server 0.00062; ExAC 0.00096; 1000 Genomes Project 0.00120; 1000 Genomes Project 30x 0.00125.
gnomAD v4.1: 862 of 1,614,240 alleles (0.053%); highest among the groups gnomAD compares: Middle Eastern, 0.28%; 4 homozygotes.

Submissions (5):

Blueprint Genetics
Classification: Likely benign. Last evaluated: 2024-11-15. Review status: criteria provided, single submitter. Criteria: ACMG Guidelines, 2015. Collection method: clinical testing. Allele origin: germline.

Breakthrough Genomics
Classification: Uncertain significance. Review status: criteria provided, single submitter. Criteria: ACMG Guidelines, 2015. Collection method: not provided. Allele origin: germline. Inheritance: Autosomal dominant inheritance. Affected: yes.

PreventionGenetics, part of Exact Sciences
Classification: Likely benign for ATP2A2-related condition. Last evaluated: 2020-07-01. Review status: no assertion criteria provided. Collection method: clinical testing. Allele origin: germline. Not counted in ClinVar's aggregate classification.
Comment: This variant is classified as likely benign based on ACMG/AMP sequence variant interpretation guidelines (Richards et al. 2015 PMID: 25741868, with internal and published modifications).

Genome Diagnostics Laboratory, University Medical Center Utrecht
Classification: Uncertain significance. Review status: no assertion criteria provided. Collection method: clinical testing. Allele origin: germline. Affected: yes. Study: VKGL Data-share Consensus. Not counted in ClinVar's aggregate classification.

Laboratory of Diagnostic Genome Analysis, Leiden University Medical Center (LUMC)
Classification: Uncertain significance. Review status: no assertion criteria provided. Collection method: clinical testing. Allele origin: germline. Affected: yes. Study: VKGL Data-share Consensus. Not counted in ClinVar's aggregate classification.

NM_170665.4(ATP2A2):c.3064A>G (p.Ile1022Val)

Gene: ATP2A2 (ATPase sarcoplasmic/endoplasmic reticulum Ca2+ transporting 2; plus strand). Cytogenetic location: 12q24.11.
Variant type: single nucleotide variant.
Coding change: c.3064A>G on transcript NM_170665.4 (MANE Select); coding-DNA position 3064, A replaced by G.
Protein change: p.Ile1022Val; replaces isoleucine 1022 with valine.
Molecular consequence: missense variant. On other transcripts: intron variant (1).
Genome position (GRCh38, 1-based): chr12:110,346,405, A>G. VCF-style: chr12-110346405-A-G. GRCh37 (hg19) VCF-style: chr12-110784210-A-G.
Other names: c.3064A>G (NM_170665.3); c.2980+84A>G (NM_001681.4); short protein forms I1022V.
Identifiers: ClinVar variation 1205978 (VCV001205978.6), dbSNP rs140234740, ClinGen allele CA6784286.